The following is an entry in ClinVar:

NM_000075.4(CDK4):c.13C>T (p.Arg5Ter)

Gene: CDK4 (cyclin dependent kinase 4; minus strand). Cytogenetic location: 12q14.1.
Variant type: single nucleotide variant.
Coding change: c.13C>T on transcript NM_000075.4 (MANE Select); coding-DNA position 13, C replaced by T.
Protein change: p.Arg5Ter; replaces arginine 5 with a stop codon.
Molecular consequence: nonsense.
Genome position (GRCh38, 1-based): chr12:57,751,705, G>A on the plus strand (C>T on the coding strand, the complement: CDK4 is on the minus strand). VCF-style: chr12-57751705-G-A. GRCh37 (hg19) VCF-style: chr12-58145488-G-A.
Other names: short protein forms R5*.
Identifiers: ClinVar variation 2818435 (VCV002818435.3), dbSNP rs1595111256, ClinGen allele CA385549315.
Genomic context (GRCh38, chr12:57,751,705, plus strand): 5'-CACGGGCCTTGTACACTGTCCCATAGGCACCGACACCAATTTCAGCCACTGGCTCATATC[G>A]AGAGGTAGCCATTCTCAGATCAAGGGAGACCCTACAATCACAGACTCCTATCACCAAAAG-3'

ClinVar aggregate classification (germline): Uncertain significance (1 of 4 stars; one submission).

Conditions:
Familial melanoma. Also called: Hereditary melanoma; Hereditary cutaneous melanoma. Identifiers: Orphanet 618, MedGen C1512419, MONDO:0018961.

Submission:

Labcorp Genetics (formerly Invitae), Labcorp
Classification: Uncertain significance for Familial melanoma. Last evaluated: 2022-12-04. Review status: criteria provided, single submitter. Criteria: Invitae Variant Classification Sherloc (09022015). Collection method: clinical testing. Allele origin: germline.
Comment: This sequence change creates a premature translational stop signal (p.Arg5*) in the CDK4 gene. It is expected to result in an absent or disrupted protein product. However, the current clinical and genetic evidence is not sufficient to establish whether loss-of-function variants in CDK4 cause disease. This variant is not present in population databases (gnomAD no frequency). Algorithms developed to predict the effect of sequence changes on RNA splicing suggest that this variant may disrupt the consensus splice site. This variant has not been reported in the literature in individuals affected with CDK4-related conditions. In summary, the available evidence is currently insufficient to determine the role of this variant in disease. Therefore, it has been classified as a Variant of Uncertain Significance.